The following is an entry in ClinVar:

ClinVar aggregate classification (germline): Benign. Review status: criteria provided, multiple submitters, no conflicts (2 of 4 stars). 3 submissions from 3 submitters: Benign (2). 1 of the submissions does not count toward it. Last evaluated 2026-01-31.

Conditions:
TSHR-related disorder. Also called: TSHR-related disorders; TSHR-related condition.

Allele frequency attached by ClinVar (database versions not stated): gnomAD exomes 0.00025 and 0.00065; ExAC 0.00084; gnomAD 0.00236 and 0.00247; ESP Exome Variant Server 0.00254; TOPMed 0.00260; 1000 Genomes Project 0.00439; 1000 Genomes Project 30x 0.00562.
gnomAD v4.1: 737 of 1,614,148 alleles (0.046%); highest among the groups gnomAD compares: African/African-American, 0.89%; 5 homozygotes.

Submissions (3):

Labcorp Genetics (formerly Invitae), Labcorp
Classification: Benign. Last evaluated: 2026-01-31. Review status: criteria provided, single submitter. Criteria: Invitae Variant Classification Sherloc (09022015). Collection method: clinical testing. Allele origin: germline.

Breakthrough Genomics
Classification: Benign. Review status: criteria provided, single submitter. Criteria: ACMG Guidelines, 2015. Collection method: not provided. Allele origin: germline. Inheritance: Autosomal recessive inheritance. Affected: yes.

PreventionGenetics, part of Exact Sciences
Classification: Benign for TSHR-related condition. Last evaluated: 2020-09-25. Review status: no assertion criteria provided. Collection method: clinical testing. Allele origin: germline. Not counted in ClinVar's aggregate classification.
Comment: This variant is classified as benign based on ACMG/AMP sequence variant interpretation guidelines (Richards et al. 2015 PMID: 25741868, with internal and published modifications).

NM_000369.5(TSHR):c.1935G>A (p.Leu645=)

Genes: TSHR (thyroid stimulating hormone receptor; plus strand), TSHR-AS1 (TSHR antisense RNA 1; minus strand). Cytogenetic location: 14q31.1.
Variant type: single nucleotide variant.
Coding change: c.1935G>A on transcript NM_000369.5 (MANE Select); coding-DNA position 1935, G replaced by A.
Protein change: p.Leu645=; no amino-acid change (leucine 645 retained).
Molecular consequence: synonymous variant.
Genome position (GRCh38, 1-based): chr14:81,143,993, G>A. VCF-style: chr14-81143993-G-A. GRCh37 (hg19) VCF-style: chr14-81610337-G-A.
Identifiers: ClinVar variation 704856 (VCV000704856.10), dbSNP rs115815771, ClinGen allele CA7294548.